The following is an entry in ClinVar:

ClinVar aggregate classification (germline): Uncertain significance (1 of 4 stars; one submission).

Submission:

CeGaT Center for Human Genetics Tuebingen
Classification: Uncertain significance. Last evaluated: 2026-05-01. Review status: criteria provided, single submitter. Criteria: CeGaT Center For Human Genetics Tuebingen Variant Classification Criteria Version 2. Collection method: clinical testing. Allele origin: germline. Affected: yes. Observed: 1 variant allele.
Comment: SRPK3: PM2, PP3, PS2:Supporting

NM_014370.4(SRPK3):c.1376G>T (p.Gly459Val)

Gene: SRPK3 (SRSF protein kinase 3; plus strand). Cytogenetic location: Xq28.
Variant type: single nucleotide variant.
Coding change: c.1376G>T on transcript NM_014370.4 (MANE Select); coding-DNA position 1376, G replaced by T.
Protein change: p.Gly459Val; replaces glycine 459 with valine.
Molecular consequence: missense variant.
Genome position (GRCh38, 1-based): chrX:153,784,953, G>T. VCF-style: chrX-153784953-G-T. GRCh37 (hg19) VCF-style: chrX-153050408-G-T.
Other names: c.1373G>T, p.Gly458Val (NM_001170760.2); c.1274G>T, p.Gly425Val (NM_001170761.2); short protein forms G425V, G458V, G459V.
Identifiers: ClinVar variation 4874211 (VCV004874211.2).